The following is an entry in ClinVar:

NM_004531.5(MOCS2):c.118G>T (p.Glu40Ter)

Gene: MOCS2 (molybdenum cofactor synthesis 2; minus strand). Cytogenetic location: 5q11.2.
Variant type: single nucleotide variant.
Coding change: c.118G>T on transcript NM_004531.5 (MANE Select); coding-DNA position 118, G replaced by T.
Protein change: p.Glu40Ter; replaces glutamic acid 40 with a stop codon.
Molecular consequence: nonsense. On other transcripts: 3 prime UTR variant (1).
Genome position (GRCh38, 1-based): chr5:53,102,205, C>A on the plus strand (G>T on the coding strand, the complement: MOCS2 is on the minus strand). VCF-style: chr5-53102205-C-A. GRCh37 (hg19) VCF-style: chr5-52398035-C-A.
Other names: c.*38G>T (NM_176806.4); c.118G>T, p.Glu40Ter (NM_183418.1); short protein forms E40*.
Identifiers: ClinVar variation 2177297 (VCV002177297.5), dbSNP rs753816420, ClinGen allele CA3263712.

ClinVar aggregate classification (germline): Pathogenic/Likely pathogenic. Review status: criteria provided, multiple submitters, no conflicts (2 of 4 stars). 2 submissions from 2 submitters: Pathogenic (1); Likely pathogenic (1). Last evaluated 2024-02-05.

Conditions:
Sulfite oxidase deficiency due to molybdenum cofactor deficiency type B1 (MOCODB1). Also called: Molybdenum cofactor deficiency B; Sulfite oxidase deficiency due to molybdenum cofactor deficiency type B; Molybdenum cofactor deficiency, complementation group B; MOLYBDENUM COFACTOR DEFICIENCY, TYPE B1. Identifiers: Orphanet 308393, Orphanet 833, MedGen C6065887, MONDO:0009644, OMIM 252160.

Allele frequency attached by ClinVar (database versions not stated): ExAC 0.00001.

Submissions (2):

Labcorp Genetics (formerly Invitae), Labcorp
Classification: Pathogenic. Last evaluated: 2024-02-05. Review status: criteria provided, single submitter. Criteria: Invitae Variant Classification Sherloc (09022015). Collection method: clinical testing. Allele origin: germline.
Comment: This sequence change creates a premature translational stop signal (p.Glu40*) in the MOCS2B gene. It is expected to result in an absent or disrupted protein product. Loss-of-function variants in MOCS2B are known to be pathogenic (PMID: 21031595). This variant is present in population databases (rs753816420, gnomAD 0.002%). This variant has not been reported in the literature in individuals affected with MOCS2B-related conditions. ClinVar contains an entry for this variant (Variation ID: 2177297). For these reasons, this variant has been classified as Pathogenic.

Fulgent Genetics
Classification: Likely pathogenic for Sulfite oxidase deficiency due to molybdenum cofactor deficiency type B1. Last evaluated: 2024-02-01. Review status: criteria provided, single submitter. Criteria: ACMG Guidelines, 2015. Collection method: clinical testing. Allele origin: germline.

Literature cited by the submitters: PubMed 21031595 (cited by Labcorp Genetics (formerly Invitae), Labcorp).